The following is an entry in ClinVar:

ClinVar aggregate classification (germline): Uncertain significance (1 of 4 stars; one submission).

Conditions:
Long QT syndrome (LQTS). Identifiers: MedGen C0023976, MeSH D008133, MONDO:0002442. Disease mechanism: loss of function. Inheritance: Various modes of inheritance.

Submission:

Labcorp Genetics (formerly Invitae), Labcorp
Classification: Uncertain significance for Long QT syndrome. Last evaluated: 2017-04-12. Review status: criteria provided, single submitter. Criteria: Invitae Variant Classification Sherloc (09022015). Collection method: clinical testing. Allele origin: germline.
Comment: This sequence change replaces glutamic acid with aspartic acid at codon 36 of the KCNH2 protein (p.Glu36Asp). The glutamic acid residue is weakly conserved and there is a small physicochemical difference between glutamic acid and aspartic acid. It also falls at the last nucleotide of exon 1 in an isoform of KCNH2 encoded by an alternate transcript (NM_172057.2). In summary, this is a novel intronic change with uncertain impact on splicing and protein function. It has been classified as a Variant of Uncertain Significance. Nucleotide substitutions within the consensus splice site are relatively common causes of aberrant splicing (PMID: 17576681, 9536098). Algorithms developed to predict the effect of nucleotide changes on RNA splicing suggest that this variant may alter RNA splicing, but this prediction has not been confirmed by published transcriptional studies. Algorithms developed to predict the effect of missense changes on protein structure and function do not agree on the potential impact of this missense change (SIFT: "Deleterious"; PolyPhen-2: "Benign"; Align-GVGD: "Class C0"). This variant is not present in population databases (ExAC no frequency) and has not been reported in the literature in individuals with a KCNH2-related disease.

Literature cited by the submitters: PubMed 17576681; PubMed 9536098.

NM_000238.4(KCNH2):c.1128+1895G>C

Gene: KCNH2 (potassium voltage-gated channel subfamily H member 2; minus strand). Cytogenetic location: 7q36.1.
Variant type: single nucleotide variant.
Coding change: c.1128+1895G>C on transcript NM_000238.4 (MANE Select); 1895 bases into the intron after coding-DNA position 1128, G replaced by C.
Molecular consequence: intron variant. On other transcripts: missense variant (2), non-coding transcript variant (1).
Genome position (GRCh38, 1-based): chr7:150,955,396, C>G on the plus strand (G>C on the coding strand, the complement: KCNH2 is on the minus strand). VCF-style: chr7-150955396-C-G. GRCh37 (hg19) VCF-style: chr7-150652484-C-G.
Other names: c.108G>C, p.Glu36Asp (NM_001204798.2, NM_172057.3); c.840+1895G>C (NM_001406753.1, NM_001406756.1); c.1128+1895G>C (NM_172056.3); c.951+1895G>C (NM_001406755.1); c.828+1895G>C (NM_001406757.1); short protein forms E36D.
Identifiers: ClinVar variation 405347 (VCV000405347.8), dbSNP rs1060500666, ClinGen allele CA16612312.